The following is an entry in ClinVar:

ClinVar aggregate classification (germline): Conflicting classifications of pathogenicity. Review status: criteria provided, conflicting classifications (1 of 4 stars). 7 submissions from 7 submitters: Uncertain significance (5); Likely benign (1). 1 of the submissions does not count toward it. Last evaluated 2025-10-06.

Conditions:
Thrombomodulin-related bleeding disorder (THPH12). Also called: Thrombophilia due to thrombomodulin defect. Identifiers: Orphanet 436169, MedGen C3280976, MONDO:0013775, OMIM 614486.
Atypical hemolytic-uremic syndrome with thrombomodulin anomaly. Also called: HEMOLYTIC UREMIC SYNDROME, ATYPICAL, SUSCEPTIBILITY TO, 6; AHUS, SUSCEPTIBILITY TO, 6. Identifiers: MedGen C2752036, MONDO:0013044, OMIM 612926. Disease mechanism: gain of function.
Thrombocytopenia. Identifiers: MedGen C0040034, MeSH D013921, MONDO:0002049, HP:0001873.
Abnormal bleeding. Also called: Bleeding diathesis. Identifiers: MedGen C1458140, HP:0001892.

Allele frequency attached by ClinVar (database versions not stated): gnomAD exomes 0.00002; gnomAD 0.00003; TOPMed 0.00004.
gnomAD v4.1: 122 of 1,540,246 alleles (0.0079%); highest among the groups gnomAD compares: Non-Finnish European, 0.01%; no homozygotes.

Submissions (7):

Labcorp Genetics (formerly Invitae), Labcorp
Classification: Uncertain significance. Last evaluated: 2025-10-06. Review status: criteria provided, single submitter. Criteria: Invitae Variant Classification Sherloc (09022015). Collection method: clinical testing. Allele origin: germline.
Comment: This sequence change replaces alanine, which is neutral and non-polar, with valine, which is neutral and non-polar, at codon 239 of the THBD protein (p.Ala239Val). The frequency data for this variant in the population databases is considered unreliable, as metrics indicate poor data quality at this position in the gnomAD database. This missense change has been observed in individual(s) with THBD-related conditions (PMID: 32935436). ClinVar contains an entry for this variant (Variation ID: 337890). Invitae Evidence Modeling of protein sequence and biophysical properties (such as structural, functional, and spatial information, amino acid conservation, physicochemical variation, residue mobility, and thermodynamic stability) indicates that this missense variant is not expected to disrupt THBD protein function with a negative predictive value of 80%. In summary, the available evidence is currently insufficient to determine the role of this variant in disease. Therefore, it has been classified as a Variant of Uncertain Significance.

Genomenon, Inc
Classification: Uncertain significance for Thrombomodulin-related bleeding disorder. Last evaluated: 2025-09-22. Review status: criteria provided, single submitter. Criteria: Genomenon Sequence Variant Interpretation Standards - Updated. Collection method: curation. Allele origin: germline. Affected: yes.
Comment: THBD p.Ala239Val (c.716C>T) is a missense variant that changes the amino acid at residue 239 from Alanine to Valine. This variant has been observed in at least one proband affected with thrombomodulin-related bleeding disorder (PMID:32935436). It is absent or not present at a significant frequency in gnomAD. In silico models agree that this variant is not damaging. In conclusion, we classify THBD p.Ala239Val (c.716C>T) as a variant of unknown significance.

Blueprint Genetics
Classification: Likely benign. Last evaluated: 2024-10-29. Review status: criteria provided, single submitter. Criteria: ACMG Guidelines, 2015. Collection method: clinical testing. Allele origin: germline.

Fulgent Genetics
Classification: Uncertain significance for Atypical hemolytic-uremic syndrome with thrombomodulin anomaly; Thrombomodulin-related bleeding disorder. Last evaluated: 2024-02-26. Review status: criteria provided, single submitter. Criteria: ACMG Guidelines, 2015. Collection method: clinical testing. Allele origin: germline.

Mayo Clinic Laboratories, Mayo Clinic
Classification: Uncertain significance. Last evaluated: 2022-10-11. Review status: criteria provided, single submitter. Criteria: ACMG Guidelines, 2015. Collection method: clinical testing. Allele origin: germline. Observed: 1 variant allele.
Comment: BP4

Illumina Laboratory Services, Illumina
Classification: Uncertain significance for Atypical hemolytic-uremic syndrome with thrombomodulin anomaly. Last evaluated: 2018-01-13. Review status: criteria provided, single submitter. Criteria: ICSL Variant Classification Criteria 13 December 2019. Collection method: clinical testing. Allele origin: germline.

Birmingham Platelet Group; University of Birmingham
Classification: Uncertain significance for Thrombocytopenia; Abnormal bleeding. Last evaluated: 2020-05-01. Review status: no assertion criteria provided. Collection method: research. Allele origin: germline. Affected: yes. Not counted in ClinVar's aggregate classification.

Literature cited by the submitters: PubMed 32935436 (cited by 3 submitters).

NM_000361.3(THBD):c.716C>T (p.Ala239Val)

Gene: THBD (thrombomodulin; minus strand). Cytogenetic location: 20p11.21.
Variant type: single nucleotide variant.
Coding change: c.716C>T on transcript NM_000361.3 (MANE Select); coding-DNA position 716, C replaced by T.
Protein change: p.Ala239Val; replaces alanine 239 with valine.
Molecular consequence: missense variant.
Genome position (GRCh38, 1-based): chr20:23,048,789, G>A on the plus strand (C>T on the coding strand, the complement: THBD is on the minus strand). VCF-style: chr20-23048789-G-A. GRCh37 (hg19) VCF-style: chr20-23029426-G-A.
Other names: p.Ala239Val; short protein forms A239V.
Identifiers: ClinVar variation 337890 (VCV000337890.13), dbSNP rs886056547, ClinGen allele CA10652998.